The following is an entry in ClinVar:

NM_198880.3(QRICH1):c.486dup (p.Gln163fs)

Gene: QRICH1 (glutamine rich 1; minus strand). Cytogenetic location: 3p21.31.
Variant type: Duplication.
Coding change: c.486dup on transcript NM_198880.3 (MANE Select); coding-DNA position 486, one base duplicated (G; older notation c.486dupG).
Protein change: p.Gln163fs; shifts the reading frame from glutamine 163.
Molecular consequence: frameshift variant.
Genome position (GRCh38, 1-based): chr3:49,057,714, C duplicated on the plus strand (G on the coding strand, the reverse complement: QRICH1 is on the minus strand). VCF-style (leftmost placement, unchanged base first): chr3-49057713-G-GC. GRCh37 (hg19) VCF-style: chr3-49095146-G-GC.
Other names: c.486dup, p.Gln163fs (NM_001320580.2, NM_001320581.2, NM_001320582.2 and 4 more transcripts); short protein forms Q163fs.
Identifiers: ClinVar variation 2024521 (VCV002024521.4), dbSNP rs2471710380, ClinGen allele CA2580070134.
Genomic context (GRCh38, chr3:49,057,713, plus strand): 5'-CAGCCTGGATCTGCTGGGCTGCTTGCACGTGCTGCACCTGGATCTGAGCTGCTTGCAGCT[G>GC]CGAGGGACTGGGACTCTGCAGAGACGGGGTCTGAATGGAGGGGGCTGCTGACTGTGGTGC-3'

ClinVar aggregate classification (germline): Pathogenic (1 of 4 stars; one submission).

Submission:

Labcorp Genetics (formerly Invitae), Labcorp
Classification: Pathogenic. Last evaluated: 2022-08-18. Review status: criteria provided, single submitter. Criteria: Invitae Variant Classification Sherloc (09022015). Collection method: clinical testing. Allele origin: germline.
Comment: For these reasons, this variant has been classified as Pathogenic. This variant has not been reported in the literature in individuals affected with QRICH1-related conditions. This variant is not present in population databases (gnomAD no frequency). This sequence change creates a premature translational stop signal (p.Gln163Alafs*141) in the QRICH1 gene. It is expected to result in an absent or disrupted protein product. Loss-of-function variants in QRICH1 are known to be pathogenic (PMID: 28692176).

Literature cited by the submitters: PubMed 28692176.